The following is an entry in ClinVar:

ClinVar aggregate classification (germline): Uncertain significance. Review status: criteria provided, multiple submitters, no conflicts (2 of 4 stars). 2 submissions from 2 submitters: Uncertain significance (2). Last evaluated 2022-08-23.

Conditions:
Marfan syndrome (MFS). Also called: Marfan syndrome type 1; Marfan's syndrome; FBN1-Related Marfan Syndrome; MARFAN SYNDROME, TYPE I; Marfan syndrome, classic. Identifiers: Orphanet 284963, Orphanet 558, MedGen C0024796, MONDO:0007947, OMIM 154700.
Familial thoracic aortic aneurysm and aortic dissection (TAAD). Also called: Thoracic aortic aneurysms and dissections. Identifiers: Orphanet 91387, MedGen C4707243, MONDO:0019625.

Submissions (2):

Labcorp Genetics (formerly Invitae), Labcorp
Classification: Uncertain significance for Marfan syndrome; Familial thoracic aortic aneurysm and aortic dissection. Last evaluated: 2022-08-23. Review status: criteria provided, single submitter. Criteria: Invitae Variant Classification Sherloc (09022015). Collection method: clinical testing. Allele origin: germline.
Comment: This sequence change replaces isoleucine, which is neutral and non-polar, with asparagine, which is neutral and polar, at codon 2806 of the FBN1 protein (p.Ile2806Asn). This variant is not present in population databases (gnomAD no frequency). This variant has not been reported in the literature in individuals affected with FBN1-related conditions. ClinVar contains an entry for this variant (Variation ID: 1314284). Advanced modeling of protein sequence and biophysical properties (such as structural, functional, and spatial information, amino acid conservation, physicochemical variation, residue mobility, and thermodynamic stability) performed at Invitae indicates that this missense variant is expected to disrupt FBN1 protein function. In summary, the available evidence is currently insufficient to determine the role of this variant in disease. Therefore, it has been classified as a Variant of Uncertain Significance.

GeneDx
Classification: Uncertain significance. Last evaluated: 2021-03-25. Review status: criteria provided, single submitter. Criteria: GeneDx Variant Classification Process June 2021. Collection method: clinical testing. Allele origin: germline. Affected: yes.
Comment: Has not been previously published as pathogenic or benign to our knowledge; Not observed in large population cohorts (Lek et al., 2016); In silico analysis supports that this missense variant has a deleterious effect on protein structure/function; Does not affect a cysteine residue within a calcium-binding EGF-like domain of the FBN1 gene; cysteine substitutions in the calcium-binding EGF-like domains represent the majority of pathogenic missense changes associated with FBN1-related disorders (Collod-Beroud et al., 2003)

NM_000138.5(FBN1):c.8417T>A (p.Ile2806Asn)

Gene: FBN1 (fibrillin 1; minus strand). Cytogenetic location: 15q21.1.
Variant type: single nucleotide variant.
Coding change: c.8417T>A on transcript NM_000138.5 (MANE Select); coding-DNA position 8417, T replaced by A.
Protein change: p.Ile2806Asn; replaces isoleucine 2806 with asparagine.
Molecular consequence: missense variant.
Genome position (GRCh38, 1-based): chr15:48,411,189, A>T on the plus strand (T>A on the coding strand, the complement: FBN1 is on the minus strand). VCF-style: chr15-48411189-A-T. GRCh37 (hg19) VCF-style: chr15-48703386-A-T.
Other names: short protein forms I2806N.
Identifiers: ClinVar variation 1314284 (VCV001314284.7), dbSNP rs2141209854, ClinGen allele CA392319124.